The following is an entry in ClinVar:

NM_001127222.2(CACNA1A):c.5942A>G (p.Asp1981Gly)

Gene: CACNA1A (calcium voltage-gated channel subunit alpha1 A; minus strand). Cytogenetic location: 19p13.13.
Variant type: single nucleotide variant.
Coding change: c.5942A>G on transcript NM_001127222.2 (MANE Select); coding-DNA position 5942, A replaced by G.
Protein change: p.Asp1981Gly; replaces aspartic acid 1981 with glycine.
Molecular consequence: missense variant.
Genome position (GRCh38, 1-based): chr19:13,212,739, T>C on the plus strand (A>G on the coding strand, the complement: CACNA1A is on the minus strand). VCF-style: chr19-13212739-T-C. GRCh37 (hg19) VCF-style: chr19-13323553-T-C.
Other names: c.5960A>G, p.Asp1987Gly (NM_000068.4, NM_023035.3); c.5945A>G, p.Asp1982Gly (NM_001127221.2); c.5951A>G, p.Asp1984Gly (NM_001174080.2); short protein forms D1982G, D1987G, D1981G, D1984G.
Identifiers: ClinVar variation 4787187 (VCV004787187.1).

ClinVar aggregate classification (germline): Uncertain significance (1 of 4 stars; one submission).

Conditions:
Episodic ataxia type 2 (EA2). Also called: ACETAZOLAMIDE-RESPONSIVE HEREDITARY PAROXYSMAL CEREBELLAR ATAXIA; ATAXIA, EPISODIC, WITH NYSTAGMUS; ATAXIA, FAMILIAL PAROXYSMAL; CEREBELLAR ATAXIA, PAROXYSMAL, ACETAZOLAMIDE-RESPONSIVE; CEREBELLOPATHY, HEREDITARY PAROXYSMAL; EPISODIC ATAXIA, NYSTAGMUS-ASSOCIATED. Identifiers: Orphanet 97, MedGen C1720416, MONDO:0007163, OMIM 108500.
Developmental and epileptic encephalopathy, 42 (DEE42A). Also called: Epileptic encephalopathy, early infantile, 42; DEVELOPMENTAL AND EPILEPTIC ENCEPHALOPATHY 42A; EPILEPTIC ENCEPHALOPATHY, EARLY INFANTILE, 42A. Identifiers: MedGen C4310716, MONDO:0014917, OMIM 617106.

Submission:

Labcorp Genetics (formerly Invitae), Labcorp
Classification: Uncertain significance for Developmental and epileptic encephalopathy, 42; Episodic ataxia type 2. Last evaluated: 2026-01-05. Review status: criteria provided, single submitter. Criteria: Invitae Variant Classification Sherloc (09022015). Collection method: clinical testing. Allele origin: germline.
Comment: This sequence change replaces aspartic acid, which is acidic and polar, with glycine, which is neutral and non-polar, at codon 1982 of the CACNA1A protein (p.Asp1982Gly). This variant is not present in population databases (gnomAD no frequency). This variant has not been reported in the literature in individuals affected with CACNA1A-related conditions. An algorithm developed to predict the effect of missense changes on protein structure and function (PolyPhen-2) suggests that this variant is likely to be tolerated. In summary, the available evidence is currently insufficient to determine the role of this variant in disease. Therefore, it has been classified as a Variant of Uncertain Significance.